The following is an entry in ClinVar:

NM_001384125.1(BLTP1):c.6081G>A (p.Leu2027=)

Gene: BLTP1 (bridge-like lipid transfer protein family member 1; plus strand). Cytogenetic location: 4q27.
Variant type: single nucleotide variant.
Coding change: c.6081G>A on transcript NM_001384125.1 (MANE Select); coding-DNA position 6081, G replaced by A.
Protein change: p.Leu2027=; no amino-acid change (leucine 2027 retained).
Molecular consequence: synonymous variant.
Genome position (GRCh38, 1-based): chr4:122,254,811, G>A. VCF-style: chr4-122254811-G-A. GRCh37 (hg19) VCF-style: chr4-123175966-G-A.
Other names: c.6081G>A, p.Leu2027= (NM_015312.4).
Identifiers: ClinVar variation 782993 (VCV000782993.30), dbSNP rs80034298, ClinGen allele CA3066753.

ClinVar aggregate classification (germline): Benign/Likely benign. Review status: criteria provided, multiple submitters, no conflicts (2 of 4 stars). 4 submissions from 4 submitters: Benign (1); Likely benign (2). 1 of the submissions does not count toward it. Last evaluated 2025-07-01.

Conditions:
BLTP1-related disorder. Also called: BLTP1-related condition.

Allele frequency attached by ClinVar (database versions not stated): 1000 Genomes Project 30x 0.00094; 1000 Genomes Project 0.00100; gnomAD 0.00215 and 0.00224; TOPMed 0.00218; gnomAD exomes 0.00230 and 0.00283; ESP Exome Variant Server 0.00237; ExAC 0.00368.
gnomAD v4.1: 4,299 of 1,558,052 alleles (0.28%); highest among the groups gnomAD compares: Non-Finnish European, 0.32%; 9 homozygotes.

Submissions (4):

CeGaT Center for Human Genetics Tuebingen
Classification: Likely benign. Last evaluated: 2025-07-01. Review status: criteria provided, single submitter. Criteria: CeGaT Center For Human Genetics Tuebingen Variant Classification Criteria Version 2. Collection method: clinical testing. Allele origin: germline. Affected: yes. Observed: 4 variant alleles.
Comment: BLTP1: BP4, BP7

Blueprint Genetics
Classification: Likely benign. Last evaluated: 2024-11-25. Review status: criteria provided, single submitter. Criteria: ACMG Guidelines, 2015. Collection method: clinical testing. Allele origin: germline.

Labcorp Genetics (formerly Invitae), Labcorp
Classification: Benign. Last evaluated: 2019-12-31. Review status: criteria provided, single submitter. Criteria: Invitae Variant Classification Sherloc (09022015). Collection method: clinical testing. Allele origin: germline.

PreventionGenetics, part of Exact Sciences
Classification: Benign for BLTP1-related condition. Last evaluated: 2019-06-27. Review status: no assertion criteria provided. Collection method: clinical testing. Allele origin: germline. Not counted in ClinVar's aggregate classification.
Comment: This variant is classified as benign based on ACMG/AMP sequence variant interpretation guidelines (Richards et al. 2015 PMID: 25741868, with internal and published modifications).